The following is an entry in ClinVar:

ClinVar aggregate classification (germline): Uncertain significance (1 of 4 stars; one submission).

Allele frequency attached by ClinVar (database versions not stated): gnomAD exomes below 0.00001.
gnomAD v4.1: 1 of 1,210,905 alleles (0.000083%); highest among the groups gnomAD compares: Admixed American, 0.0022%; no homozygotes.

Submission:

Labcorp Genetics (formerly Invitae), Labcorp
Classification: Uncertain significance. Last evaluated: 2022-07-26. Review status: criteria provided, single submitter. Criteria: Invitae Variant Classification Sherloc (09022015). Collection method: clinical testing. Allele origin: germline.
Comment: In summary, the available evidence is currently insufficient to determine the role of this variant in disease. Therefore, it has been classified as a Variant of Uncertain Significance. Algorithms developed to predict the effect of missense changes on protein structure and function are either unavailable or do not agree on the potential impact of this missense change (SIFT: "Deleterious"; PolyPhen-2: "Probably Damaging"; Align-GVGD: "Class C0"). ClinVar contains an entry for this variant (Variation ID: 1035269). This variant has not been reported in the literature in individuals affected with ZNF711-related conditions. This variant is not present in population databases (gnomAD no frequency). This sequence change replaces alanine, which is neutral and non-polar, with valine, which is neutral and non-polar, at codon 486 of the ZNF711 protein (p.Ala486Val).

NM_001330574.2(ZNF711):c.1595C>T (p.Ala532Val)

Gene: ZNF711 (zinc finger protein 711; plus strand). Cytogenetic location: Xq21.1.
Variant type: single nucleotide variant.
Coding change: c.1595C>T on transcript NM_001330574.2 (MANE Select); coding-DNA position 1595, C replaced by T.
Protein change: p.Ala532Val; replaces alanine 532 with valine.
Molecular consequence: missense variant.
Genome position (GRCh38, 1-based): chrX:85,270,999, C>T. VCF-style: chrX-85270999-C-T. GRCh37 (hg19) VCF-style: chrX-84526005-C-T.
Other names: c.1595C>T, p.Ala532Val (NM_001375431.1, NM_001375432.1, NM_001375433.1); c.1457C>T, p.Ala486Val (NM_001375434.1, NM_001375435.1, NM_001375436.1 and 2 more transcripts); short protein forms A486V, A532V.
Identifiers: ClinVar variation 1035269 (VCV001035269.10), dbSNP rs1931526599, ClinGen allele CA413773817.